The following is an entry in ClinVar:

ClinVar aggregate classification (germline): Uncertain significance. Review status: criteria provided, multiple submitters, no conflicts (2 of 4 stars). 2 submissions from 2 submitters: Uncertain significance (2). Last evaluated 2025-10-07.

Conditions:
Medulloblastoma (MDB). Also called: MEDULLOBLASTOMA PREDISPOSITION SYNDROME; Medulloblastoma, somatic. Identifiers: Orphanet 616, MedGen C0025149, MeSH D008527, MONDO:0007959, OMIM 155255, HP:0002885.

Allele frequency attached by ClinVar (database versions not stated): TOPMed 0.00005; ExAC 0.00008; gnomAD 0.00009.
gnomAD v4.1: 127 of 1,613,696 alleles (0.0079%); highest among the groups gnomAD compares: Non-Finnish European, 0.0097%; no homozygotes.

Submissions (2):

Labcorp Genetics (formerly Invitae), Labcorp
Classification: Uncertain significance. Last evaluated: 2025-10-07. Review status: criteria provided, single submitter. Criteria: Invitae Variant Classification Sherloc (09022015). Collection method: clinical testing. Allele origin: germline.
Comment: This sequence change replaces threonine, which is neutral and polar, with methionine, which is neutral and non-polar, at codon 432 of the GPR161 protein (p.Thr432Met). This variant is present in population databases (rs776855110, gnomAD 0.02%). This variant has not been reported in the literature in individuals affected with GPR161-related conditions. ClinVar contains an entry for this variant (Variation ID: 2577854). An algorithm developed to predict the effect of missense changes on protein structure and function (PolyPhen-2) suggests that this variant is likely to be tolerated. In summary, the available evidence is currently insufficient to determine the role of this variant in disease. Therefore, it has been classified as a Variant of Uncertain Significance.

St. Jude Molecular Pathology, St. Jude Children's Research Hospital
Classification: Uncertain significance for Medulloblastoma. Last evaluated: 2023-08-30. Review status: criteria provided, single submitter. Criteria: St. Jude Assertion Criteria 2020. Collection method: clinical testing. Allele origin: germline.
Comment: The GPR161 c.1235C>T (p.Thr412Met) missense change has a maximum subpopulation frequency of 0.02% in gnomAD v2.1.1. The in silico tool REVEL predicts a benign effect on protein function, but this prediction has not been confirmed by functional studies. This variant has not been reported in individuals with medulloblastoma. In summary, the evidence currently available is insufficient to determine the clinical significance of this variant. It has therefore been classified as of uncertain significance.

NM_001375883.1(GPR161):c.1235C>T (p.Thr412Met)

Gene: GPR161 (G protein-coupled receptor 161; minus strand). Cytogenetic location: 1q24.2.
Variant type: single nucleotide variant.
Coding change: c.1235C>T on transcript NM_001375883.1 (MANE Select); coding-DNA position 1235, C replaced by T.
Protein change: p.Thr412Met; replaces threonine 412 with methionine.
Molecular consequence: missense variant.
Genome position (GRCh38, 1-based): chr1:168,087,674, G>A on the plus strand (C>T on the coding strand, the complement: GPR161 is on the minus strand). VCF-style: chr1-168087674-G-A. GRCh37 (hg19) VCF-style: chr1-168056912-G-A.
Other names: c.1235C>T, p.Thr412Met (NM_001349633.1, NM_001349632.1, NM_001267610.2 and 5 more transcripts); c.1001C>T, p.Thr334Met (NM_001267613.1); c.893C>T, p.Thr298Met (NM_001267614.1); c.1295C>T, p.Thr432Met (NM_001267609.1); c.1286C>T, p.Thr429Met (NM_001267611.1); c.839C>T, p.Thr280Met (NM_001267612.2, NM_001349635.1); short protein forms T280M, T298M, T334M, T412M, T429M, T432M.
Identifiers: ClinVar variation 2577854 (VCV002577854.2), dbSNP rs776855110, ClinGen allele CA1229491.
Genomic context (GRCh38, chr1:168,087,674, plus strand): 5'-GTCACCGAGCTCCTTCTCTTGGGTGGGCAAGTGCAGTGAGAGGGAGGGTTGTCATCAGAC[G>A]TGTAGTCCTCAAGCAGCATCATATCTGTCCCTAAAACAACGGGCAGATTGTGCATATGTA-3'
Protein context (NP_001362812.1, residues 402-422): GTDMMLLEDY[Thr412Met]SDDNPPSHCT